The following is an entry in ClinVar:

ClinVar aggregate classification (germline): Pathogenic. Review status: criteria provided, multiple submitters, no conflicts (2 of 4 stars). 12 submissions from 12 submitters: Pathogenic (11). 1 of the submissions does not count toward it. Last evaluated 2026-09-28.

Conditions:
EDA-related disorder. Also called: EDA-related disorders; EDA-related condition.
Tooth agenesis, selective, X-linked, 1 (STHAGX1). Also called: HYPODONTIA/OLIGODONTIA, X-LINKED, 1. Identifiers: Orphanet 99798, MedGen C1970757, MONDO:0010741, OMIM 313500. Disease mechanism: loss of function.
Hypohidrotic X-linked ectodermal dysplasia (XHED). Also called: Christ-Siemans-Touraine syndrome; Anhidrotic ectodermal dysplasia X-linked; Christ Siemens Touraine syndrome; ECTODERMAL DYSPLASIA 1, HYPOHIDROTIC, X-LINKED; ECTODERMAL DYSPLASIA 1, HYPOHIDROTIC/HAIR/TOOTH TYPE, X-LINKED; Ectodermal Dysplasia 1, Anhidrotic. Identifiers: Orphanet 181, Orphanet 238468, MedGen C0162359, MONDO:0010585, OMIM 305100.
Ectodermal dysplasia. Also called: Ectodermal dysplasia syndrome. Identifiers: Orphanet 79373, MedGen C0013575, MONDO:0019287, HP:0000968.

Allele frequency attached by ClinVar (database versions not stated): gnomAD exomes below 0.00001; TOPMed below 0.00001; gnomAD 0.00001.
gnomAD v4.1: 2 of 1,209,437 alleles (0.00017%); highest among the groups gnomAD compares: Non-Finnish European, 0.00022%; no homozygotes.

Submissions (12):

Genetics Laboratory, Great Ormond Street Hospital NHS Foundation Trust, North Thames Genomic Laboratory Hub
Classification: Pathogenic for Ectodermal dysplasia. Last evaluated: 2026-09-28. Review status: criteria provided, single submitter. Criteria: ACGS Best Practice Guidelines for Variant Classification in Rare Disease 2024 v1.2. Collection method: clinical testing. Allele origin: germline. Affected: yes.
Comment: PS4_moderate, PM2_moderate, PM5_moderate, PS3_supporting, PM1_supporting, PM6_moderate

CeGaT Center for Human Genetics Tuebingen
Classification: Pathogenic. Last evaluated: 2026-07-01. Review status: criteria provided, single submitter. Criteria: CeGaT Center For Human Genetics Tuebingen Variant Classification Criteria Version 2. Collection method: clinical testing. Allele origin: germline. Affected: yes. Observed: 1 variant allele.
Comment: EDA: PS2:Very Strong, PM1, PM2, PM5, PS4:Moderate, PS3:Supporting

Lupski Lab, Baylor-Hopkins CMG, Baylor College of Medicine
Classification: Pathogenic for Hypohidrotic X-linked ectodermal dysplasia. Last evaluated: 2026-06-05. Review status: criteria provided, single submitter. Criteria: ACMG Guidelines, 2015. Collection method: research. Allele origin: de novo. Inheritance: X-linked inheritance. Affected: yes. Observed: 1 variant allele, 1 heterozygote.
Comment: This variant is rare in gnomAD (1 allele count for exome, 1 for genome) (PM2_Supporting= +1pt). Other variants at this position are ClinVar Pathogenic variants (p.Arg156Leu (1 star); p.Arg156Cys (2 star); p.Arg156Ser (1 star)) (PM5_Moderate= +2pts). According to Varsome and Uniprot, this variant lies within a mutational hotspot without benign variation (PM1_Moderate= +2pts). There is very strong functional evidence from a number of sources indicating this variant is pathogenic (PMID: 11309369, 11279189) (PS3_Very Strong= +8pts). 17 pts (PS2 +4, PM2 +1, PM5 +2, PM1 +2, PS3 +8).

PreventionGenetics, part of Exact Sciences
Classification: Pathogenic for EDA-related condition. Last evaluated: 2026-03-26. Review status: criteria provided, single submitter. Criteria: ACMG Guidelines, 2015. Collection method: clinical testing. Allele origin: germline.
Comment: The EDA c.467G>A variant is predicted to result in the amino acid substitution p.Arg156His. This variant has been reported to be one of the most common pathogenic variants for ectodermal dysplasia (Monreal et al. 1998. PubMed ID: 9683615; Vincent et al. 2001. PubMed ID: 11378824; Cluzeau et al. 2011. PubMed ID: 20979233; Dietz et al. 2013. PubMed ID: 23553579). This variant disrupts a basic amino acid within a conserved furin cleavage site (amino acids 153-159) where other substitutions at this and adjacent amino acids have been reported as pathogenic (Chen et al. 2001. PubMed ID: 11416205; Chaudhary et al. 2022. PubMed ID: 34863015). This variant has not been reported in a large population database (gnomAD), indicating this variant is rare. Based on this evidence, we classify the c.467G>A (p.Arg156His) variant as pathogenic.

Dasa
Classification: Pathogenic. Last evaluated: 2026-03-21. Review status: criteria provided, single submitter. Criteria: DASA Assertion Criteria. Collection method: clinical testing. Allele origin: germline.
Comment: NM_001399.5(EDA):c.467G>A (p.Arg156His) is a missense variant that results in the substitution of arginine with histidine. Functional evidence supports a deleterious effect on the gene or gene product (PMID: 25333067; PMID: 38129747; PMID: 11279189; PMID: 11295832; PMID: 11416205). This variant has been recurrently observed in individuals with related phenotype (PMID: 25333067; PMID: 38129747; PMID: 11279189; PMID: 11295832; PMID: 11416205). The variant is present at low frequency in population datasets. Based on the available data, this variant is classified as pathogenic.

Labcorp Genetics (formerly Invitae), Labcorp
Classification: Pathogenic for Hypohidrotic X-linked ectodermal dysplasia. Last evaluated: 2026-01-26. Review status: criteria provided, single submitter. Criteria: Invitae Variant Classification Sherloc (09022015). Collection method: clinical testing. Allele origin: germline.
Comment: This sequence change replaces arginine, which is basic and polar, with histidine, which is basic and polar, at codon 156 of the EDA protein (p.Arg156His). This variant is not present in population databases (gnomAD no frequency). This missense change has been observed in individual(s) with hypohidrotic ectodermal dysplasia (PMID: 9683615, 11279189, 11295832, 11416205, 18231121). In at least one individual the variant was observed to be de novo. This variant is also known as c.708G>A (p.R156H). ClinVar contains an entry for this variant (Variation ID: 11037). Invitae Evidence Modeling of protein sequence and biophysical properties (such as structural, functional, and spatial information, amino acid conservation, physicochemical variation, residue mobility, and thermodynamic stability) indicates that this missense variant is not expected to disrupt EDA protein function with a negative predictive value of 80%. Experimental studies have shown that this missense change affects EDA function (PMID: 11416205). This variant disrupts the p.Arg156 amino acid residue in EDA. Other variant(s) that disrupt this residue have been determined to be pathogenic (PMID: 9683615, 11279189, 11416205). This suggests that this residue is clinically significant, and that variants that disrupt this residue are likely to be disease-causing. For these reasons, this variant has been classified as Pathogenic.

3billion
Classification: Pathogenic for Hypohidrotic X-linked ectodermal dysplasia. Last evaluated: 2025-06-11. Review status: criteria provided, single submitter. Criteria: ACMG Guidelines, 2015. Collection method: clinical testing. Allele origin: germline. Affected: yes.
Comment: The variant is observed at an extremely low frequency in the gnomAD v4.1.0 dataset (total allele frequency: <0.001%). Predicted Consequence/Location: Missense variant Functional studies provide strong evidence of the variant having a damaging effect on the gene or gene product (PMID: 11416205, 21357618). In silico tool predictions suggest damaging effect of the variant on gene or gene product [3Cnet: 0.96 (> 0.75, sensitivity 0.96 and precision 0.92)]. The same nucleotide change resulting in the same amino acid change has been previously reported as pathogenic/likely pathogenic with strong evidence (ClinVar ID: VCV000011037 /PMID: 9683615 /3billion dataset). Different missense changes at the same codon (p.Arg156Cys, p.Arg156Leu, p.Arg156Ser) have been reported as pathogenic/likely pathogenic with strong evidence (ClinVar ID: VCV000011036, VCV000044194, VCV003384338 /PMID: 10951256, 12930312, 23553579, 9683615 /3billion dataset). Therefore, this variant is classified as Pathogenic according to the recommendation of ACMG/AMP guideline.

Blueprint Genetics
Classification: Pathogenic for EDA-related disorders. Last evaluated: 2024-04-12. Review status: criteria provided, single submitter. Criteria: ACMG Guidelines, 2015. Collection method: clinical testing. Allele origin: germline. Affected: yes. Observed: 5 variant alleles.

GeneDx
Classification: Pathogenic. Last evaluated: 2022-07-27. Review status: criteria provided, single submitter. Criteria: GeneDx Variant Classification Process June 2021. Collection method: clinical testing. Allele origin: germline. Affected: yes.
Comment: Published functional studies demonstrate a damaging effect due to a drastic reduction in the cleavage of ectodysplasin-A as compared to wild-type, preventing the generation of a soluble ectodysplasin-A ligand (Chen et al., 2001); Not observed at significant frequency in large population cohorts (gnomAD); Missense variants in this gene are often considered pathogenic (HGMD); In silico analysis supports that this missense variant does not alter protein structure/function; This variant is associated with the following publications: (PMID: 26273176, 23744313, 26411740, 11416205, 27305980, 26345974, 18231121, 11295832, 11309369, 18076698, 9683615, 11279189, 11378824, 28981473, 21357618, 34426522, 32690319, 32176048, 31924237, 29220840, 31796081, 34863015, 25333067, 17686277, 26502894, 18666859)

Fulgent Genetics
Classification: Pathogenic for Hypohidrotic X-linked ectodermal dysplasia; Tooth agenesis, selective, X-linked, 1. Last evaluated: 2021-10-21. Review status: criteria provided, single submitter. Criteria: ACMG Guidelines, 2015. Collection method: clinical testing. Allele origin: unknown.

Laboratory for Molecular Medicine, Mass General Brigham Personalized Medicine
Classification: Pathogenic for Hypohidrotic X-linked ectodermal dysplasia. Last evaluated: 2011-09-04. Review status: criteria provided, single submitter. Criteria: LMM Criteria. Collection method: clinical testing. Allele origin: germline. Inheritance: X-linked inheritance. Observed: 7 variant alleles.
Comment: The Arg156His variant in EDA has been reported in at least 18 individuals with X -linked hypohidrotic ectodermal dysplasia (Schneider 2001, Monreal 1998, Schneid er 2011, Vincent 2001, Zhao 2008). This variant was reported as de novo in at le ast 4 individuals with de novo disease and was reported in an individual with a family history of X-linked hypohidrotic ectodermal dysplasia (Schneider 2001, Vi ncent 2001). Furthermore, functional studies have shown that the change to Histi dine (His) at position 156 affects protein cleavage (Chen 2001, Elomaa 2001). In summary, this variant meets our criteria to be classified as pathogenic.

OMIM
Classification: Pathogenic for ECTODERMAL DYSPLASIA 1, HYPOHIDROTIC/HAIR/TOOTH TYPE, X-LINKED. Last evaluated: 2009-07-01. Review status: no assertion criteria provided. Collection method: literature only. Allele origin: germline. Not counted in ClinVar's aggregate classification.

Literature cited by the submitters: PubMed 25333067 (cited by Dasa); PubMed 38129747 (cited by Dasa); PubMed 11279189 (cited by 3 submitters); PubMed 11295832 (cited by Dasa and Labcorp Genetics (formerly Invitae), Labcorp); PubMed 11416205 (cited by 4 submitters); PubMed 11378824 (cited by 3 submitters); PubMed 9683615 (cited by 4 submitters); PubMed 18231121 (cited by Labcorp Genetics (formerly Invitae), Labcorp); PubMed 21357618 (cited by 3billion and Laboratory for Molecular Medicine, Mass General Brigham Personalized Medicine); PubMed 10951256 (cited by 3billion); PubMed 18510547 (cited by Laboratory for Molecular Medicine, Mass General Brigham Personalized Medicine); PubMed 9736768 (cited by Laboratory for Molecular Medicine, Mass General Brigham Personalized Medicine); PubMed 11309369 (cited by Laboratory for Molecular Medicine, Mass General Brigham Personalized Medicine); PubMed 18076698 (cited by Laboratory for Molecular Medicine, Mass General Brigham Personalized Medicine); PubMed 20236127 (cited by Laboratory for Molecular Medicine, Mass General Brigham Personalized Medicine); PubMed 20979233 (cited by Laboratory for Molecular Medicine, Mass General Brigham Personalized Medicine); PubMed 21457804 (cited by Laboratory for Molecular Medicine, Mass General Brigham Personalized Medicine); PubMed 19533796 (cited by OMIM).

NM_001399.5(EDA):c.467G>A (p.Arg156His)

Gene: EDA (ectodysplasin A; plus strand). Cytogenetic location: Xq13.1.
Variant type: single nucleotide variant.
Coding change: c.467G>A on transcript NM_001399.5 (MANE Select); coding-DNA position 467, G replaced by A.
Protein change: p.Arg156His; replaces arginine 156 with histidine.
Molecular consequence: missense variant.
Genome position (GRCh38, 1-based): chrX:69,957,097, G>A. VCF-style: chrX-69957097-G-A. GRCh37 (hg19) VCF-style: chrX-69176947-G-A.
Other names: c.467G>A, p.Arg156His (NM_001005609.2, NM_001005612.3); short protein forms R156H.
Identifiers: ClinVar variation 11037 (VCV000011037.26), dbSNP rs132630314, ClinGen allele CA261114.
Genomic context (GRCh38, chrX:69,957,097, plus strand): 5'-TGAATTTCTTCTTCCCTGATGAAAAGCCATACTCTGAAGAAGAAAGTAGGCGTGTTCGCC[G>A]CAATAAAAGAAGCAAAAGCAATGAAGGAGCAGATGGTAAGTCTACTCAGTTGATCCTTTA-3'
Protein context (NP_001390.1, residues 146-166): YSEEESRRVR[Arg156His]NKRSKSNEGA